The following is an entry in ClinVar:

ClinVar aggregate classification (germline): Uncertain significance. Review status: criteria provided, multiple submitters, no conflicts (2 of 4 stars). 2 submissions from 2 submitters: Uncertain significance (2). Last evaluated 2025-08-24.

Allele frequency attached by ClinVar (database versions not stated): ESP Exome Variant Server 0.00008; TOPMed 0.00012.
gnomAD v4.1: 275 of 1,591,252 alleles (0.017%); highest among the groups gnomAD compares: Non-Finnish European, 0.023%; no homozygotes.

Submissions (2):

Labcorp Genetics (formerly Invitae), Labcorp
Classification: Uncertain significance. Last evaluated: 2025-08-24. Review status: criteria provided, single submitter. Criteria: Invitae Variant Classification Sherloc (09022015). Collection method: clinical testing. Allele origin: germline.
Comment: This sequence change replaces valine, which is neutral and non-polar, with leucine, which is neutral and non-polar, at codon 133 of the FSCN2 protein (p.Val133Leu). This variant is present in population databases (rs373996403, gnomAD 0.02%). This variant has not been reported in the literature in individuals affected with FSCN2-related conditions. ClinVar contains an entry for this variant (Variation ID: 848170). An algorithm developed to predict the effect of missense changes on protein structure and function (PolyPhen-2) suggests that this variant is likely to be tolerated. In summary, the available evidence is currently insufficient to determine the role of this variant in disease. Therefore, it has been classified as a Variant of Uncertain Significance.

Ambry Genetics
Classification: Uncertain significance. Last evaluated: 2025-04-16. Review status: criteria provided, single submitter. Criteria: Ambry Variant Classification Scheme 2023. Collection method: clinical testing. Allele origin: germline.

NM_012418.4(FSCN2):c.397G>C (p.Val133Leu)

Gene: FSCN2 (fascin actin-bundling protein 2, retinal; plus strand). Cytogenetic location: 17q25.3.
Variant type: single nucleotide variant.
Coding change: c.397G>C on transcript NM_012418.4 (MANE Select); coding-DNA position 397, G replaced by C.
Protein change: p.Val133Leu; replaces valine 133 with leucine.
Molecular consequence: missense variant.
Genome position (GRCh38, 1-based): chr17:81,528,928, G>C. VCF-style: chr17-81528928-G-C. GRCh37 (hg19) VCF-style: chr17-79495954-G-C.
Other names: c.397G>C, p.Val133Leu (NM_001077182.3); short protein forms V133L.
Identifiers: ClinVar variation 848170 (VCV000848170.8), dbSNP rs373996403, ClinGen allele CA8836669.
Genomic context (GRCh38, chr17:81,528,928, plus strand): 5'-GGCACCGAGGACCAGCTGTCCTGCTTCGCCACAGCCGTTTCCCCGGCCGAGCTGTGGACC[G>C]TGCACCTGGCCATCCACCCGCAGGCCCACCTGCTGAGCGTGAGCCGGCGGCGCTACGTGC-3'
Protein context (NP_036550.1, residues 123-143): TAVSPAELWT[Val133Leu]HLAIHPQAHL